The following is an entry in ClinVar:

ClinVar aggregate classification (germline): Uncertain significance (1 of 4 stars; one submission).

Conditions:
Duchenne muscular dystrophy (DMD). Also called: MUSCULAR DYSTROPHY, PSEUDOHYPERTROPHIC PROGRESSIVE, DUCHENNE TYPE; Duchenne Muscular Dystrophy (DMD). Identifiers: Orphanet 98896, MedGen C0013264, MONDO:0010679, OMIM 310200.

Submission:

Labcorp Genetics (formerly Invitae), Labcorp
Classification: Uncertain significance for Duchenne muscular dystrophy. Last evaluated: 2026-01-25. Review status: criteria provided, single submitter. Criteria: Invitae Variant Classification Sherloc (09022015). Collection method: clinical testing. Allele origin: germline.
Comment: This sequence change replaces isoleucine, which is neutral and non-polar, with methionine, which is neutral and non-polar, at codon 1098 of the DMD protein (p.Ile1098Met). This variant is not present in population databases (gnomAD no frequency). This variant has not been reported in the literature in individuals affected with DMD-related conditions. Invitae Evidence Modeling of protein sequence and biophysical properties (such as structural, functional, and spatial information, amino acid conservation, physicochemical variation, residue mobility, and thermodynamic stability) indicates that this missense variant is not expected to disrupt DMD protein function with a negative predictive value of 95%. In summary, the available evidence is currently insufficient to determine the role of this variant in disease. Therefore, it has been classified as a Variant of Uncertain Significance.

NM_004006.3(DMD):c.3294T>G (p.Ile1098Met)

Gene: DMD (dystrophin; minus strand). Cytogenetic location: Xp21.1.
Variant type: single nucleotide variant.
Coding change: c.3294T>G on transcript NM_004006.3 (MANE Select); coding-DNA position 3294, T replaced by G.
Protein change: p.Ile1098Met; replaces isoleucine 1098 with methionine.
Molecular consequence: missense variant.
Genome position (GRCh38, 1-based): chrX:32,463,577, A>C on the plus strand (T>G on the coding strand, the complement: DMD is on the minus strand). VCF-style: chrX-32463577-A-C. GRCh37 (hg19) VCF-style: chrX-32481694-A-C.
Other names: c.3270T>G, p.Ile1090Met (NM_000109.4); c.3282T>G, p.Ile1094Met (NM_004009.3); c.2925T>G, p.Ile975Met (NM_004010.3); short protein forms I1090M, I1094M, I1098M, I975M.
Identifiers: ClinVar variation 4770271 (VCV004770271.1).